The following is an entry in ClinVar:

NM_000222.3(KIT):c.2234-5C>T

Gene: KIT (KIT proto-oncogene, receptor tyrosine kinase; plus strand). Cytogenetic location: 4q12.
Variant type: single nucleotide variant.
Coding change: c.2234-5C>T on transcript NM_000222.3 (MANE Select); 5 bases into the intron before coding-DNA position 2234, C replaced by T.
Molecular consequence: intron variant.
Genome position (GRCh38, 1-based): chr4:54,731,866, C>T. VCF-style: chr4-54731866-C-T. GRCh37 (hg19) VCF-style: chr4-55598032-C-T.
Other names: c.2234-5C>T (NM_000222.2, NM_001385290.1); c.2237-5C>T (NM_001385284.1); c.2225-5C>T (NM_001385288.1); c.2222-5C>T (NM_001385292.1, NM_001093772.2); c.2231-5C>T (NM_001385285.1); c.2219-5C>T (NM_001385286.1).
Identifiers: ClinVar variation 1105708 (VCV001105708.10), dbSNP rs2109794784, ClinGen allele CA2499217279.

ClinVar aggregate classification (germline): Conflicting classifications of pathogenicity. Review status: criteria provided, conflicting classifications (1 of 4 stars). 2 submissions from 2 submitters: Uncertain significance (1); Likely benign (1). Last evaluated 2025-12-23.

Conditions:
Hereditary cancer-predisposing syndrome. Also called: Neoplastic Syndromes, Hereditary; Hereditary Cancer Syndrome; Hereditary neoplastic syndrome; Tumor predisposition. Identifiers: Orphanet 140162, MedGen C0027672, MeSH D009386, MONDO:0015356.
Gastrointestinal stromal tumor. Also called: Gastrointestinal stroma tumor; Gastrointestinal stromal tumor, somatic. Identifiers: Orphanet 44890, MedGen C0238198, MeSH D046152, MONDO:0011719, OMIM 606764, HP:0100723.

Allele frequency attached by ClinVar (database versions not stated): gnomAD exomes below 0.00001.
gnomAD v4.1: 2 of 1,613,208 alleles (0.00012%); highest among the groups gnomAD compares: South Asian, 0.0022%; no homozygotes.

Submissions (2):

Labcorp Genetics (formerly Invitae), Labcorp
Classification: Likely benign for Gastrointestinal stromal tumor. Last evaluated: 2025-12-23. Review status: criteria provided, single submitter. Criteria: Invitae Variant Classification Sherloc (09022015). Collection method: clinical testing. Allele origin: germline.

Ambry Genetics
Classification: Uncertain significance for Hereditary cancer-predisposing syndrome. Last evaluated: 2025-02-14. Review status: criteria provided, single submitter. Criteria: Ambry Variant Classification Scheme 2023. Collection method: clinical testing. Allele origin: germline.
Comment: The c.2234-5C>T intronic variant results from a C to T substitution 5 nucleotides upstream from coding exon 16 in the KIT gene. This nucleotide position is poorly conserved in available vertebrate species. In silico splice site analysis predicts that this alteration will not have any significant effect on splicing. Based on the available evidence, the clinical significance of this variant remains unclear.